The following is an entry in ClinVar:

NM_006236.3(POU3F3):c.655_656del (p.Leu220fs)

Gene: POU3F3 (POU class 3 homeobox 3; plus strand). Cytogenetic location: 2q12.1.
Variant type: Microsatellite.
Coding change: c.655_656del on transcript NM_006236.3 (MANE Select); coding-DNA positions 655 to 656, 2 bases deleted (AG; older notation c.655_656delAG).
Protein change: p.Leu220fs; shifts the reading frame from leucine 220.
Molecular consequence: frameshift variant.
Genome position (GRCh38, 1-based): chr2:104,856,165-104,856,166, AG deleted; deleting any 2 consecutive bases within chr2:104,856,163-104,856,166 gives the same sequence; the c. name uses the placement nearest the transcript's 3' end. VCF-style (leftmost placement, unchanged base first): chr2-104856162-CAG-C. GRCh37 (hg19) VCF-style: chr2-105472620-CAG-C.
Other names: short protein forms L220fs.
Identifiers: ClinVar variation 1704995 (VCV001704995.3), dbSNP rs2466875788, ClinGen allele CA2580611340.

ClinVar aggregate classification (germline): Pathogenic. Review status: criteria provided, multiple submitters, no conflicts (2 of 4 stars). 2 submissions from 2 submitters: Pathogenic (2). Last evaluated 2022-09-12.

Conditions:
Snijders blok-fisher syndrome. Identifiers: Orphanet 656135, MedGen C5231424, MONDO:0032830, OMIM 618604.

Submissions (2):

GeneDx
Classification: Pathogenic. Last evaluated: 2022-09-12. Review status: criteria provided, single submitter. Criteria: GeneDx Variant Classification Process June 2021. Collection method: clinical testing. Allele origin: germline. Affected: yes.
Comment: Frameshift variant in which the last 281 amino acids are replaced with at least 281 different amino acids; the location of transcription termination is not known as the new reading frame does not encounter a stop codon in the rest of the current reference sequence; Not observed in large population cohorts (gnomAD); Has not been previously published as pathogenic or benign to our knowledge

Groupe Hospitalier Pitie Salpetriere, Uf Genomique Du Developpement, Assistance Publique Hopitaux de Paris Sorbonne Université
Classification: Pathogenic for Snijders blok-fisher syndrome. Last evaluated: 2022-09-01. Review status: criteria provided, single submitter. Criteria: ACMG Guidelines, 2015. Collection method: clinical testing. Allele origin: germline. Affected: yes.
Comment: This variant is a null variant (PVS1), found de novo (PS2), absent or extremely rare in population databases (PM2_supp) and reported as pathogenic by a reputable source though evidence isnt available for independent evaluation (PP5)